The following is an entry in ClinVar:

NM_000222.3(KIT):c.2763T>C (p.Val921=)

Gene: KIT (KIT proto-oncogene, receptor tyrosine kinase; plus strand). Cytogenetic location: 4q12.
Variant type: single nucleotide variant.
Coding change: c.2763T>C on transcript NM_000222.3 (MANE Select); coding-DNA position 2763, T replaced by C.
Protein change: p.Val921=; no amino-acid change (valine 921 retained).
Molecular consequence: synonymous variant.
Genome position (GRCh38, 1-based): chr4:54,737,241, T>C. VCF-style: chr4-54737241-T-C. GRCh37 (hg19) VCF-style: chr4-55603407-T-C.
Other names: c.2751T>C, p.Val917= (NM_001093772.2, NM_001385292.1); c.2766T>C, p.Val922= (NM_001385284.1); c.2760T>C, p.Val920= (NM_001385285.1); c.2748T>C, p.Val916= (NM_001385286.1); c.2754T>C, p.Val918= (NM_001385288.1); c.2763T>C, p.Val921= (NM_001385290.1).
Identifiers: ClinVar variation 703544 (VCV000703544.23), dbSNP rs776411237, ClinGen allele CA2923848.

ClinVar aggregate classification (germline): Benign/Likely benign. Review status: criteria provided, multiple submitters, no conflicts (2 of 4 stars). 3 submissions from 3 submitters: Benign (1); Likely benign (2). Last evaluated 2026-06-05.

Conditions:
Hereditary cancer-predisposing syndrome. Also called: Neoplastic Syndromes, Hereditary; Hereditary Cancer Syndrome; Hereditary neoplastic syndrome; Tumor predisposition. Identifiers: Orphanet 140162, MedGen C0027672, MeSH D009386, MONDO:0015356.
Gastrointestinal stromal tumor. Also called: Gastrointestinal stromal tumor, somatic; Gastrointestinal stroma tumor. Identifiers: Orphanet 44890, MedGen C0238198, MeSH D046152, MONDO:0011719, OMIM 606764, HP:0100723.

Allele frequency attached by ClinVar (database versions not stated): gnomAD 0.00001; gnomAD exomes 0.00001 and 0.00002; TOPMed 0.00001; ExAC 0.00002.
gnomAD v4.1: 8 of 1,613,780 alleles (0.0005%); highest among the groups gnomAD compares: Admixed American, 0.013%; no homozygotes.

Submissions (3):

Myriad Genetics, Inc.
Classification: Benign for Gastrointestinal stromal tumor. Last evaluated: 2026-06-05. Review status: criteria provided, single submitter. Criteria: Myriad Autosomal Dominant, Autosomal Recessive and X-Linked Classification Criteria (2023). Collection method: clinical testing. Allele origin: unknown.
Comment: This variant is considered benign. This variant is a silent/synonymous amino acid change and it is not expected to impact splicing.

Labcorp Genetics (formerly Invitae), Labcorp
Classification: Likely benign for Gastrointestinal stromal tumor. Last evaluated: 2025-09-19. Review status: criteria provided, single submitter. Criteria: Invitae Variant Classification Sherloc (09022015). Collection method: clinical testing. Allele origin: germline.

Ambry Genetics
Classification: Likely benign for Hereditary cancer-predisposing syndrome. Last evaluated: 2018-12-18. Review status: criteria provided, single submitter. Criteria: Ambry Variant Classification Scheme 2023. Collection method: clinical testing. Allele origin: germline.